The following is an entry in ClinVar:

NM_022042.4(SLC26A1):c.1004C>T (p.Pro335Leu)

Genes: IDUA (alpha-L-iduronidase; plus strand), SLC26A1 (solute carrier family 26 member 1; minus strand). Cytogenetic location: 4p16.3.
Variant type: single nucleotide variant.
Coding change: c.1004C>T on transcript NM_022042.4 (MANE Select); coding-DNA position 1004, C replaced by T.
Protein change: p.Pro335Leu; replaces proline 335 with leucine.
Molecular consequence: missense variant. On other transcripts: intron variant (2).
Genome position (GRCh38, 1-based): chr4:989,935, G>A on the plus strand (C>T on the coding strand, the complement: SLC26A1 is on the minus strand). VCF-style: chr4-989935-G-A. GRCh37 (hg19) VCF-style: chr4-983723-G-A.
Other names: p.Pro335Leu; c.1004C>T (NM_213613.2, NM_022042.3); c.1004C>T, p.Pro335Leu (NM_213613.4); c.576+1193C>T (NM_134425.4); c.299+1986G>A (NM_000203.5); short protein forms P335L.
Identifiers: ClinVar variation 1009266 (VCV001009266.12), dbSNP rs140299648, ClinGen allele CA2801487.

ClinVar aggregate classification (germline): Conflicting classifications of pathogenicity. Review status: criteria provided, conflicting classifications (1 of 4 stars). 5 submissions from 5 submitters: Uncertain significance (4); Likely benign (1). Last evaluated 2025-04-28.

Conditions:
Nephrolithiasis susceptibility caused by SLC26A1 (CAON1). Also called: NEPHROLITHIASIS, CALCIUM OXALATE, 1. Identifiers: MedGen C5779632, MONDO:0020722, OMIM 167030.
Hypersulfaturia (HYSULF). Identifiers: MedGen C5830511, MONDO:0957268, OMIM 620372.
SLC26A1-related disorder. Also called: SLC26A1-related condition.
Inborn genetic diseases. Identifiers: MedGen C0950123, MeSH D030342.

Allele frequency attached by ClinVar (database versions not stated): 1000 Genomes Project 30x 0.00016; 1000 Genomes Project 0.00020; gnomAD exomes 0.00048; ExAC 0.00050; TOPMed 0.00060; ESP Exome Variant Server 0.00062; gnomAD 0.00069.
gnomAD v4.1: 1,653 of 1,557,274 alleles (0.11%); highest among the groups gnomAD compares: Non-Finnish European, 0.14%; 2 homozygotes.

Submissions (5):

Labcorp Genetics (formerly Invitae), Labcorp
Classification: Uncertain significance. Last evaluated: 2025-04-28. Review status: criteria provided, single submitter. Criteria: Invitae Variant Classification Sherloc (09022015). Collection method: clinical testing. Allele origin: germline.
Comment: This sequence change replaces proline, which is neutral and non-polar, with leucine, which is neutral and non-polar, at codon 335 of the SLC26A1 protein (p.Pro335Leu). This variant is present in population databases (rs140299648, gnomAD 0.1%), and has an allele count higher than expected for a pathogenic variant. This variant has not been reported in the literature in individuals affected with SLC26A1-related conditions. ClinVar contains an entry for this variant (Variation ID: 1009266). Invitae Evidence Modeling of protein sequence and biophysical properties (such as structural, functional, and spatial information, amino acid conservation, physicochemical variation, residue mobility, and thermodynamic stability) indicates that this missense variant is not expected to disrupt SLC26A1 protein function with a negative predictive value of 80%. In summary, the available evidence is currently insufficient to determine the role of this variant in disease. Therefore, it has been classified as a Variant of Uncertain Significance.

PreventionGenetics, part of Exact Sciences
Classification: Uncertain significance for SLC26A1-related condition. Last evaluated: 2025-01-27. Review status: criteria provided, single submitter. Criteria: ACMG Guidelines, 2015. Collection method: clinical testing. Allele origin: germline.
Comment: The SLC26A1 c.1004C>T variant is predicted to result in the amino acid substitution p.Pro335Leu. To our knowledge, this variant has not been reported in the literature. This variant is reported in 0.12% of alleles in individuals of European (non-Finnish) descent in gnomAD. At this time, the clinical significance of this variant is uncertain due to the absence of conclusive functional and genetic evidence.

Mayo Clinic Laboratories, Mayo Clinic
Classification: Uncertain significance. Last evaluated: 2024-05-30. Review status: criteria provided, single submitter. Criteria: ACMG Guidelines, 2015. Collection method: clinical testing. Allele origin: germline. Observed: 1 variant allele.
Comment: BP4

Fulgent Genetics
Classification: Likely benign for Nephrolithiasis susceptibility caused by SLC26A1; Hypersulfaturia. Last evaluated: 2024-02-17. Review status: criteria provided, single submitter. Criteria: ACMG Guidelines, 2015. Collection method: clinical testing. Allele origin: germline.

Ambry Genetics
Classification: Uncertain significance for Inborn genetic diseases. Last evaluated: 2021-09-30. Review status: criteria provided, single submitter. Criteria: Ambry Variant Classification Scheme 2023. Collection method: clinical testing. Allele origin: germline.